The following is an entry in ClinVar:

ClinVar aggregate classification (germline): Uncertain significance. Review status: criteria provided, multiple submitters, no conflicts (2 of 4 stars). 2 submissions from 2 submitters: Uncertain significance (2). Last evaluated 2024-01-12.

Conditions:
Familial meningioma. Also called: Meningioma, familial, susceptibility to. Identifiers: Orphanet 263662, MedGen C3551915, MONDO:0011789, OMIM 607174.
Neurofibromatosis, type 2 (SWNV). Also called: BILATERAL ACOUSTIC NEUROFIBROMATOSIS; SCHWANNOMATOSIS, VESTIBULAR; NF2-Related Schwannomatosis. Identifiers: Orphanet 637, MedGen C0027832, MONDO:0007039, OMIM 101000. Disease mechanism: loss of function.

Submissions (2):

Labcorp Genetics (formerly Invitae), Labcorp
Classification: Uncertain significance for Neurofibromatosis, type 2. Last evaluated: 2024-01-12. Review status: criteria provided, single submitter. Criteria: Invitae Variant Classification Sherloc (09022015). Collection method: clinical testing. Allele origin: germline.
Comment: This sequence change replaces glycine, which is neutral and non-polar, with arginine, which is basic and polar, at codon 3 of the NF2 protein (p.Gly3Arg). This variant is not present in population databases (gnomAD no frequency). This variant has not been reported in the literature in individuals affected with NF2-related conditions. An algorithm developed to predict the effect of missense changes on protein structure and function (PolyPhen-2) suggests that this variant is likely to be disruptive. In summary, the available evidence is currently insufficient to determine the role of this variant in disease. Therefore, it has been classified as a Variant of Uncertain Significance.

Baylor Genetics
Classification: Uncertain significance for Familial meningioma. Last evaluated: 2023-06-14. Review status: criteria provided, single submitter. Criteria: ACMG Guidelines, 2015. Collection method: clinical testing. Allele origin: unknown.

NM_000268.4(NF2):c.7G>C (p.Gly3Arg)

Gene: NF2 (NF2, moesin-ezrin-radixin like (MERLIN) tumor suppressor; plus strand). Cytogenetic location: 22q12.2.
Variant type: single nucleotide variant.
Coding change: c.7G>C on transcript NM_000268.4 (MANE Select); coding-DNA position 7, G replaced by C.
Protein change: p.Gly3Arg; replaces glycine 3 with arginine.
Molecular consequence: missense variant. On other transcripts: 5 prime UTR variant (4), non-coding transcript variant (1).
Genome position (GRCh38, 1-based): chr22:29,604,005, G>C. VCF-style: chr22-29604005-G-C. GRCh37 (hg19) VCF-style: chr22-29999994-G-C.
Other names: c.-224G>C (NM_001407053.1, NM_001407056.1); c.7G>C, p.Gly3Arg (NM_001407054.1, NM_001407055.1, NM_001407057.1 and 15 more transcripts); c.-634G>C (NM_001407065.1); c.-250G>C (NM_001407067.1); short protein forms G3R.
Identifiers: ClinVar variation 2677252 (VCV002677252.4), dbSNP rs2146659491, ClinGen allele CA411145701.